The following is an entry in ClinVar:

NM_020297.4(ABCC9):c.2425-16G>A

Gene: ABCC9 (ATP binding cassette subfamily C member 9; minus strand). Cytogenetic location: 12p12.1.
Variant type: single nucleotide variant.
Coding change: c.2425-16G>A on transcript NM_020297.4 (MANE Select); 16 bases into the intron before coding-DNA position 2425, G replaced by A.
Molecular consequence: intron variant.
Genome position (GRCh38, 1-based): chr12:21,859,682, C>T on the plus strand (G>A on the coding strand, the complement: ABCC9 is on the minus strand). VCF-style: chr12-21859682-C-T. GRCh37 (hg19) VCF-style: chr12-22012616-C-T.
Other names: c.1558-16G>A (NM_001377274.1); c.2425-16G>A (NM_005691.4, NM_001377273.1).
Identifiers: ClinVar variation 4807817 (VCV004807817.1).

ClinVar aggregate classification (germline): Uncertain significance (1 of 4 stars; one submission).

Conditions:
Dilated cardiomyopathy 1O (CMD1O). Also called: CARDIOMYOPATHY, DILATED, WITH VENTRICULAR TACHYCARDIA. Identifiers: Orphanet 154, MedGen C1837839, MONDO:0012062, OMIM 608569.

Submission:

Labcorp Genetics (formerly Invitae), Labcorp
Classification: Uncertain significance for Dilated cardiomyopathy 1O. Last evaluated: 2025-05-21. Review status: criteria provided, single submitter. Criteria: Invitae Variant Classification Sherloc (09022015). Collection method: clinical testing. Allele origin: germline.
Comment: This sequence change falls in intron 19 of the ABCC9 gene. It does not directly change the encoded amino acid sequence of the ABCC9 protein. This variant is not present in population databases (gnomAD no frequency). This variant has not been reported in the literature in individuals affected with ABCC9-related conditions. Algorithms developed to predict the effect of sequence changes on RNA splicing suggest that this variant may disrupt the consensus splice site. In summary, the available evidence is currently insufficient to determine the role of this variant in disease. Therefore, it has been classified as a Variant of Uncertain Significance.